The following is an entry in ClinVar:

ClinVar aggregate classification (germline): Uncertain significance (1 of 4 stars; one submission).

Conditions:
HECTD4-related disorder. Also called: HECTD4-related condition.

Submission:

PreventionGenetics, part of Exact Sciences
Classification: Uncertain significance for HECTD4-related condition. Last evaluated: 2022-10-24. Review status: criteria provided, single submitter. Criteria: ACMG Guidelines, 2015. Collection method: clinical testing. Allele origin: germline.
Comment: The HECTD4 c.10239_10256del18 variant is predicted to result in an in-frame deletion (p.Ser3414_Gly3419del). To our knowledge, this variant has not been reported in the literature or in a large population database, indicating this variant is rare. At this time, the clinical significance of this variant is uncertain due to the absence of conclusive functional and genetic evidence.

NM_001388303.1(HECTD4):c.10632CAGCCTGGG[1] (p.3545SLG[1])

Gene: HECTD4 (HECT domain E3 ubiquitin protein ligase 4; minus strand). Cytogenetic location: 12q24.13.
Variant type: Microsatellite.
Coding change: c.10632CAGCCTGGG[1] on transcript NM_001388303.1 (MANE Select); one copy of the 9-base unit CAGCCTGGG starting at c.10632; the reference has three copies in a row; two copies, 18 bases deleted.
Protein change: p.3545SLG[1].
Molecular consequence: inframe deletion.
Genome position (GRCh38, 1-based): chr12:112,184,308-112,184,325, CCCAGGCTGCCCAGGCTG deleted on the plus strand (CAGCCTGGGCAGCCTGGG on the coding strand, the reverse complement: HECTD4 is on the minus strand); deleting any 18 consecutive bases within chr12:112,184,308-112,184,336 gives the same sequence; the position shown is the placement nearest the transcript's 3' end. VCF-style (leftmost placement, unchanged base first): chr12-112184307-CCCCAGGCTGCCCAGGCTG-C. GRCh37 (hg19) VCF-style: chr12-112622111-CCCCAGGCTGCCCAGGCTG-C.
Other names: c.10662CAGCCTGGG[1], p.3555SLG[1] (NM_001109662.4).
Identifiers: ClinVar variation 2637394 (VCV002637394.1), dbSNP rs541859196, ClinGen allele CA2575314034.